The following is an entry in ClinVar:

NM_001283009.2(RTEL1):c.599G>A (p.Ser200Asn)

Genes: RTEL1 (regulator of telomere elongation helicase 1; plus strand), RTEL1-TNFRSF6B (RTEL1-TNFRSF6B readthrough (NMD candidate); plus strand). Cytogenetic location: 20q13.33.
Variant type: single nucleotide variant.
Coding change: c.599G>A on transcript NM_001283009.2 (MANE Select); coding-DNA position 599, G replaced by A.
Protein change: p.Ser200Asn; replaces serine 200 with asparagine.
Molecular consequence: missense variant. On other transcripts: non-coding transcript variant (1), 5 prime UTR variant (1).
Genome position (GRCh38, 1-based): chr20:63,666,064, G>A. VCF-style: chr20-63666064-G-A. GRCh37 (hg19) VCF-style: chr20-62297417-G-A.
Other names: c.-71G>A (NM_001283010.1); c.599G>A, p.Ser200Asn (NM_016434.4); c.671G>A, p.Ser224Asn (NM_032957.5); short protein forms S200N, S224N.
Identifiers: ClinVar variation 1721631 (VCV001721631.6), dbSNP rs2090120174, ClinGen allele CA409670565.

ClinVar aggregate classification (germline): Uncertain significance (1 of 4 stars; one submission).

Conditions:
Dyskeratosis congenita, autosomal recessive 5 (DKCB5). Identifiers: MedGen C3554656, MONDO:0014076, OMIM 615190.
Pulmonary fibrosis and/or bone marrow failure, Telomere-related, 3. Also called: PULMONARY FIBROSIS AND/OR BONE MARROW FAILURE SYNDROME, TELOMERE-RELATED, 3. Identifiers: Orphanet 2032, MedGen C4225346, MONDO:0014613, OMIM 616373.

Submission:

Labcorp Genetics (formerly Invitae), Labcorp
Classification: Uncertain significance for Dyskeratosis congenita, autosomal recessive 5; Pulmonary fibrosis and/or bone marrow failure, Telomere-related, 3. Last evaluated: 2025-07-21. Review status: criteria provided, single submitter. Criteria: Invitae Variant Classification Sherloc (09022015). Collection method: clinical testing. Allele origin: germline.
Comment: This sequence change replaces serine, which is neutral and polar, with asparagine, which is neutral and polar, at codon 200 of the RTEL1 protein (p.Ser200Asn). This variant is not present in population databases (gnomAD no frequency). This variant has not been reported in the literature in individuals affected with RTEL1-related conditions. ClinVar contains an entry for this variant (Variation ID: 1721631). An algorithm developed to predict the effect of missense changes on protein structure and function outputs the following: PolyPhen-2: "Benign". The asparagine amino acid residue is found in multiple mammalian species, which suggests that this missense change does not adversely affect protein function. In summary, the available evidence is currently insufficient to determine the role of this variant in disease. Therefore, it has been classified as a Variant of Uncertain Significance.